The following is an entry in ClinVar:

NM_022552.5(DNMT3A):c.1575G>A (p.Ala525=)

Gene: DNMT3A (DNA methyltransferase 3 alpha; minus strand). Cytogenetic location: 2p23.3.
Variant type: single nucleotide variant.
Coding change: c.1575G>A on transcript NM_022552.5 (MANE Select); coding-DNA position 1575, G replaced by A.
Protein change: p.Ala525=; no amino-acid change (alanine 525 retained).
Molecular consequence: synonymous variant. On other transcripts: non-coding transcript variant (1).
Genome position (GRCh38, 1-based): chr2:25,244,632, C>T on the plus strand (G>A on the coding strand, the complement: DNMT3A is on the minus strand). VCF-style: chr2-25244632-C-T. GRCh37 (hg19) VCF-style: chr2-25467501-C-T.
Other names: c.1575G>A (NM_022552.3); c.1119G>A, p.Ala373= (NM_001320893.1); c.906G>A, p.Ala302= (NM_001375819.1); c.1008G>A, p.Ala336= (NM_153759.3); c.1575G>A, p.Ala525= (NM_175629.2).
Identifiers: ClinVar variation 725149 (VCV000725149.11), dbSNP rs771486108, ClinGen allele CA1555943.
Genomic context (GRCh38, chr2:25,244,632, plus strand): 5'-CTCACGGCCCCCACAGCAGATGGTGCAGTAGGACTGGTAGCCGTCGTCGTCGTACTGGTA[C>T]GCACACTCCAGAAAGCAGTTCTAGACAGCAGCGGGAAGGGTCAGAAACCACCAGGACGGG-3'
Protein context (NP_072046.2, residues 515-535): QNCKNCFLEC[Ala525=]YQYDDDGYQS

ClinVar aggregate classification (germline): Likely benign. Review status: criteria provided, multiple submitters, no conflicts (2 of 4 stars). 3 submissions from 3 submitters: Likely benign (2). 1 of the submissions does not count toward it. Last evaluated 2024-11-28.

Conditions:
Inborn genetic diseases. Identifiers: MedGen C0950123, MeSH D030342.
Tatton-Brown-Rahman overgrowth syndrome. Also called: Tall stature-intellectual disability-facial dysmorphism syndrome; Tatton-Brown-Rahman syndrome. Identifiers: Orphanet 404443, MedGen C4014545, MONDO:0014382, OMIM 615879.
DNMT3A-related disorder. Also called: DNMT3A-related disorders; DNMT3A-related condition.

Allele frequency attached by ClinVar (database versions not stated): TOPMed 0.00002; gnomAD 0.00005; gnomAD exomes 0.00008 and 0.00009; ExAC 0.00011.
gnomAD v4.1: 123 of 1,614,030 alleles (0.0076%); highest among the groups gnomAD compares: Non-Finnish European, 0.0056%; no homozygotes.

Submissions (3):

Ambry Genetics
Classification: Likely benign for Inborn genetic diseases. Last evaluated: 2024-11-28. Review status: criteria provided, single submitter. Criteria: Ambry Variant Classification Scheme 2023. Collection method: clinical testing. Allele origin: germline.

Labcorp Genetics (formerly Invitae), Labcorp
Classification: Likely benign for Tatton-Brown-Rahman overgrowth syndrome. Last evaluated: 2023-12-03. Review status: criteria provided, single submitter. Criteria: Invitae Variant Classification Sherloc (09022015). Collection method: clinical testing. Allele origin: germline.

PreventionGenetics, part of Exact Sciences
Classification: Likely benign for DNMT3A-related condition. Last evaluated: 2023-12-04. Review status: no assertion criteria provided. Collection method: clinical testing. Allele origin: germline. Not counted in ClinVar's aggregate classification.
Comment: This variant is classified as likely benign based on ACMG/AMP sequence variant interpretation guidelines (Richards et al. 2015 PMID: 25741868, with internal and published modifications).